The following is an entry in ClinVar:

ClinVar aggregate classification (germline): Benign. Review status: criteria provided, multiple submitters, no conflicts (2 of 4 stars). 2 submissions from 2 submitters: Benign (2). Last evaluated 2018-06-15.

Allele frequency attached by ClinVar (database versions not stated): 1000 Genomes Project 0.07808; gnomAD 0.08100 and 0.08249; TOPMed 0.08855; 1000 Genomes Project 30x 0.10540.
gnomAD v4.1: 74,258 of 1,515,868 alleles (4.9%); highest among the groups gnomAD compares: African/African-American, 17%; 2,705 homozygotes.

Submissions (2):

GeneDx
Classification: Benign. Last evaluated: 2018-06-15. Review status: criteria provided, single submitter. Criteria: GeneDx Variant Classification (06012015). Collection method: clinical testing. Allele origin: germline. Affected: yes.
Comment: This variant is considered likely benign or benign based on one or more of the following criteria: it is a conservative change, it occurs at a poorly conserved position in the protein, it is predicted to be benign by multiple in silico algorithms, and/or has population frequency not consistent with disease.

Breakthrough Genomics
Classification: Benign. Review status: criteria provided, single submitter. Criteria: ACMG Guidelines, 2015. Collection method: not provided. Allele origin: germline. Inheritance: Autosomal recessive inheritance. Affected: yes.

NM_031475.3(ESPN):c.1192+81G>A

Gene: ESPN (espin; plus strand). Cytogenetic location: 1p36.31.
Variant type: single nucleotide variant.
Coding change: c.1192+81G>A on transcript NM_031475.3 (MANE Select); 81 bases into the intron after coding-DNA position 1192, G replaced by A.
Molecular consequence: intron variant.
Genome position (GRCh38, 1-based): chr1:6,444,763, G>A. VCF-style: chr1-6444763-G-A. GRCh37 (hg19) VCF-style: chr1-6504823-G-A.
Other names: c.1192+81G>A (NM_001367474.1, NM_001367473.1).
Identifiers: ClinVar variation 683009 (VCV000683009.2), dbSNP rs6664393, ClinGen allele CA17207305.
Genomic context (GRCh38, chr1:6,444,763, plus strand): 5'-GACGGGGAGGGAGAGCAGACTGAAGCCAGACTGCTGGGCTGTGAGGATTGGCCTTGGGCC[G>A]CCCTGCCACAGCCAATATCGGACACTACCCTCATCACTTGCTCTTAAACATGGGGAGGCG-3'